The following is an entry in ClinVar:

NM_001271.4(CHD2):c.5239C>T (p.His1747Tyr)

Gene: CHD2 (chromodomain helicase DNA binding protein 2; plus strand). Cytogenetic location: 15q26.1.
Variant type: single nucleotide variant.
Coding change: c.5239C>T on transcript NM_001271.4 (MANE Select); coding-DNA position 5239, C replaced by T.
Protein change: p.His1747Tyr; replaces histidine 1747 with tyrosine.
Molecular consequence: missense variant.
Genome position (GRCh38, 1-based): chr15:93,024,457, C>T. VCF-style: chr15-93024457-C-T. GRCh37 (hg19) VCF-style: chr15-93567687-C-T.
Other names: short protein forms H1747Y.
Identifiers: ClinVar variation 3683047 (VCV003683047.2).
Genomic context (GRCh38, chr15:93,024,457, plus strand): 5'-AGATCCGATGAATTTAGGCCTCAAAATTACCACCAGCAGGATTTCCGACGAATGTCTGAT[C>T]ACCGCCCCGCTATGGGCTACCATGGCCAGGGACCCTCAGACCATTACCGCTCTTTCCACA-3'
Protein context (NP_001262.3, residues 1737-1757): HQQDFRRMSD[His1747Tyr]RPAMGYHGQG

ClinVar aggregate classification (germline): Uncertain significance (1 of 4 stars; one submission).

Conditions:
Developmental and epileptic encephalopathy 94 (DEE94). Also called: CHD2-Related Neurodevelopmental Disorders; Epileptic encephalopathy, childhood-onset. Identifiers: Orphanet 1942, Orphanet 2382, MedGen C3809278, MONDO:0014150, OMIM 615369.

Submission:

Labcorp Genetics (formerly Invitae), Labcorp
Classification: Uncertain significance for Developmental and epileptic encephalopathy 94. Last evaluated: 2025-03-10. Review status: criteria provided, single submitter. Criteria: Invitae Variant Classification Sherloc (09022015). Collection method: clinical testing. Allele origin: germline.
Comment: This sequence change replaces histidine, which is basic and polar, with tyrosine, which is neutral and polar, at codon 1747 of the CHD2 protein (p.His1747Tyr). This variant is not present in population databases (gnomAD no frequency). This variant has not been reported in the literature in individuals affected with CHD2-related conditions. Invitae Evidence Modeling of protein sequence and biophysical properties (such as structural, functional, and spatial information, amino acid conservation, physicochemical variation, residue mobility, and thermodynamic stability) indicates that this missense variant is not expected to disrupt CHD2 protein function with a negative predictive value of 95%. In summary, the available evidence is currently insufficient to determine the role of this variant in disease. Therefore, it has been classified as a Variant of Uncertain Significance.